The following is an entry in ClinVar:

ClinVar aggregate classification (germline): Uncertain significance (1 of 4 stars; one submission).

Submission:

GeneDx
Classification: Uncertain significance. Last evaluated: 2022-12-31. Review status: criteria provided, single submitter. Criteria: GeneDx Variant Classification Process June 2021. Collection method: clinical testing. Allele origin: germline. Affected: yes.
Comment: Not observed at significant frequency in large population cohorts (gnomAD); In silico analysis supports that this missense variant has a deleterious effect on protein structure/function; Has not been previously published as pathogenic or benign to our knowledge

NM_000827.4(GRIA1):c.989C>T (p.Pro330Leu)

Gene: GRIA1 (glutamate ionotropic receptor AMPA type subunit 1; plus strand). Cytogenetic location: 5q33.2.
Variant type: single nucleotide variant.
Coding change: c.989C>T on transcript NM_000827.4 (MANE Select); coding-DNA position 989, C replaced by T.
Protein change: p.Pro330Leu; replaces proline 330 with leucine.
Molecular consequence: missense variant. On other transcripts: non-coding transcript variant (2), intron variant (1).
Genome position (GRCh38, 1-based): chr5:153,677,121, C>T. VCF-style: chr5-153677121-C-T. GRCh37 (hg19) VCF-style: chr5-153056681-C-T.
Other names: c.749C>T, p.Pro250Leu (NM_001258019.2); c.704C>T, p.Pro235Leu (NM_001258020.2); c.1019C>T, p.Pro340Leu (NM_001258021.2, NM_001258022.2); c.782C>T, p.Pro261Leu (NM_001258023.1, NM_001364167.2); c.1016C>T, p.Pro339Leu (NM_001364166.2); c.861+2460C>T (NM_001364165.2); c.989C>T, p.Pro330Leu (NM_001114183.2); short protein forms P235L, P250L, P261L, P330L, P339L, P340L.
Identifiers: ClinVar variation 2507132 (VCV002507132.1), dbSNP rs2480254366, ClinGen allele CA361902642.